The following is an entry in ClinVar:

ClinVar aggregate classification (germline): Uncertain significance (1 of 4 stars; one submission).

Conditions:
Brody myopathy. Also called: BRODY DISEASE. Identifiers: Orphanet 53347, MedGen C1832918, MONDO:0010977, OMIM 601003.

Allele frequency attached by ClinVar (database versions not stated): gnomAD exomes 0.00001 and 0.00002; gnomAD 0.00002; TOPMed 0.00002; ExAC 0.00003.
gnomAD v4.1: 16 of 1,614,056 alleles (0.00099%); highest among the groups gnomAD compares: East Asian, 0.0067%; no homozygotes.

Submission:

Labcorp Genetics (formerly Invitae), Labcorp
Classification: Uncertain significance for Brody myopathy. Last evaluated: 2020-07-30. Review status: criteria provided, single submitter. Criteria: Invitae Variant Classification Sherloc (09022015). Collection method: clinical testing. Allele origin: germline.
Comment: In summary, the available evidence is currently insufficient to determine the role of this variant in disease. Therefore, it has been classified as a Variant of Uncertain Significance. Algorithms developed to predict the effect of missense changes on protein structure and function are either unavailable or do not agree on the potential impact of this missense change (SIFT: "Deleterious"; PolyPhen-2: "Benign"; Align-GVGD: "Class C0"). This variant has not been reported in the literature in individuals with ATP2A1-related conditions. This variant is present in population databases (rs773580278, ExAC 0.006%). This sequence change replaces glutamic acid with lysine at codon 117 of the ATP2A1 protein (p.Glu117Lys). The glutamic acid residue is moderately conserved and there is a small physicochemical difference between glutamic acid and lysine.

NM_004320.6(ATP2A1):c.349G>A (p.Glu117Lys)

Gene: ATP2A1 (ATPase sarcoplasmic/endoplasmic reticulum Ca2+ transporting 1; plus strand). Cytogenetic location: 16p11.2.
Variant type: single nucleotide variant.
Coding change: c.349G>A on transcript NM_004320.6 (MANE Select); coding-DNA position 349, G replaced by A.
Protein change: p.Glu117Lys; replaces glutamic acid 117 with lysine.
Molecular consequence: missense variant. On other transcripts: 5 prime UTR variant (1).
Genome position (GRCh38, 1-based): chr16:28,882,475, G>A. VCF-style: chr16-28882475-G-A. GRCh37 (hg19) VCF-style: chr16-28893796-G-A.
Other names: c.-27G>A (NM_001286075.2); c.349G>A, p.Glu117Lys (NM_173201.5); short protein forms E117K.
Identifiers: ClinVar variation 1053791 (VCV001053791.9), dbSNP rs773580278, ClinGen allele CA7986629.